The following is an entry in ClinVar:

NM_001378452.1(ITPR1):c.2732C>T (p.Ala911Val)

Gene: ITPR1 (inositol 1,4,5-trisphosphate receptor type 1; plus strand). Cytogenetic location: 3p26.1.
Variant type: single nucleotide variant.
Coding change: c.2732C>T on transcript NM_001378452.1 (MANE Select); coding-DNA position 2732, C replaced by T.
Protein change: p.Ala911Val; replaces alanine 911 with valine.
Molecular consequence: missense variant.
Genome position (GRCh38, 1-based): chr3:4,675,201, C>T. VCF-style: chr3-4675201-C-T. GRCh37 (hg19) VCF-style: chr3-4716885-C-T.
Other names: p.Ala896Val; c.2687C>T (NM_002222.6); c.2732C>T, p.Ala911Val (NM_001099952.4); c.2687C>T, p.Ala896Val (NM_001168272.2, NM_002222.7); short protein forms A896V, A911V.
Identifiers: ClinVar variation 345716 (VCV000345716.53), dbSNP rs201519806, ClinGen allele CA2231486.

ClinVar aggregate classification (germline): Conflicting classifications of pathogenicity. Review status: criteria provided, conflicting classifications (1 of 4 stars). 9 submissions from 9 submitters: Uncertain significance (6); Likely benign (3). Last evaluated 2026-08-01.

Conditions:
Autosomal dominant cerebellar ataxia. Also called: Spinocerebellar Ataxia, Dominant. Identifiers: Orphanet 99, MedGen C4087347, MONDO:0020380.
Inborn genetic diseases. Identifiers: MedGen C0950123, MeSH D030342.
Gillespie syndrome (GLSP). Also called: Aniridia, cerebellar ataxia, and mental deficiency; Aniridia-cerebellar ataxia-intellectual disability syndrome. Identifiers: Orphanet 1065, MedGen C0431401, MONDO:0008795, OMIM 206700.
Spinocerebellar ataxia type 29 (SCA29). Also called: CEREBELLAR ATAXIA, CONGENITAL NONPROGRESSIVE, AUTOSOMAL DOMINANT; Spinocerebellar ataxia 29, congenital nonprogressive. Identifiers: Orphanet 208513, MedGen C1861732, MONDO:0007298, OMIM 117360.
Spinocerebellar ataxia type 15/16 (SCA15). Also called: Spinocerebellar Ataxia Type 15. Identifiers: Orphanet 98769, MedGen C1847725, MONDO:0011694, OMIM 606658.

Allele frequency attached by ClinVar (database versions not stated): ESP Exome Variant Server 0.00008; ExAC 0.00031; gnomAD exomes 0.00032 and 0.00037; TOPMed 0.00035; gnomAD 0.00041 and 0.00044.
gnomAD v4.1: 521 of 1,611,800 alleles (0.032%); highest among the groups gnomAD compares: Middle Eastern, 0.049%; no homozygotes.

Submissions (20):

CeGaT Center for Human Genetics Tuebingen
Classification: Uncertain significance. Last evaluated: 2026-08-01. Review status: criteria provided, single submitter. Criteria: CeGaT Center For Human Genetics Tuebingen Variant Classification Criteria Version 2. Collection method: clinical testing. Allele origin: germline. Affected: yes. Observed: 3 variant alleles.

Labcorp Genetics (formerly Invitae), Labcorp
Classification: Uncertain significance. Last evaluated: 2026-01-12. Review status: criteria provided, single submitter. Criteria: Invitae Variant Classification Sherloc (09022015). Collection method: clinical testing. Allele origin: germline.
Comment: This sequence change replaces alanine, which is neutral and non-polar, with valine, which is neutral and non-polar, at codon 896 of the ITPR1 protein (p.Ala896Val). This variant is present in population databases (rs201519806, gnomAD 0.06%). This missense change has been observed in individual(s) with hereditary spastic pariplegia (PMID: 30778698). It has also been observed to segregate with disease in related individuals. ClinVar contains an entry for this variant (Variation ID: 345716). Invitae Evidence Modeling of protein sequence and biophysical properties (such as structural, functional, and spatial information, amino acid conservation, physicochemical variation, residue mobility, and thermodynamic stability) indicates that this missense variant is not expected to disrupt ITPR1 protein function with a negative predictive value of 95%. In summary, the available evidence is currently insufficient to determine the role of this variant in disease. Therefore, it has been classified as a Variant of Uncertain Significance.

GeneDx
Classification: Uncertain significance. Last evaluated: 2025-11-25. Review status: criteria provided, single submitter. Criteria: GeneDx Variant Classification Process June 2021. Collection method: clinical testing. Allele origin: germline. Affected: yes.
Comment: In silico analysis suggests that this missense variant does not alter protein structure/function; This variant is associated with the following publications: (PMID: 29925855, 29232918, 31275557, 30778698)

Blueprint Genetics
Classification: Likely benign. Last evaluated: 2024-11-23. Review status: criteria provided, single submitter. Criteria: ACMG Guidelines, 2015. Collection method: clinical testing. Allele origin: germline.

Mayo Clinic Laboratories, Mayo Clinic
Classification: Uncertain significance. Last evaluated: 2024-07-03. Review status: criteria provided, single submitter. Criteria: ACMG Guidelines, 2015. Collection method: clinical testing. Allele origin: germline. Observed: 1 variant allele.
Comment: BP4

Ambry Genetics
Classification: Uncertain significance for Inborn genetic diseases. Last evaluated: 2023-06-02. Review status: criteria provided, single submitter. Criteria: Ambry Variant Classification Scheme 2023. Collection method: clinical testing. Allele origin: germline.
Comment: The c.2687C>T (p.A896V) alteration is located in exon 22 (coding exon 20) of the ITPR1 gene. This alteration results from a C to T substitution at nucleotide position 2687, causing the alanine (A) at amino acid position 896 to be replaced by a valine (V). This variant is unlikely to be causative of spinocerebellar ataxia; however, its contribution to the development of Gillespie syndrome is uncertain. Based on data from the Genome Aggregation Database (gnomAD) database, the ITPR1 c.2687C>T alteration was observed in 0.04% (103/278904) of total alleles studied, with a frequency of 0.07% (86/127962) in the European (non-Finnish) subpopulation. This variant was identified in two families with hereditary spastic paraplegia (Elert-Dobkowska, 2019). This amino acid position is not well conserved in available vertebrate species. The p.A896V alteration is predicted to be tolerated by in silico analysis. Based on insufficient or conflicting evidence, the clinical significance of this alteration remains unclear.

Department of Pathology and Laboratory Medicine, Sinai Health System
Classification: Uncertain significance for Spinocerebellar ataxia type 29; Gillespie syndrome; Spinocerebellar ataxia type 15/16. Last evaluated: 2020-07-20. Review status: criteria provided, single submitter. Criteria: ACMG Guidelines, 2015. Collection method: research. Allele origin: germline.

Schule lab, Hertie Institute for Clinical Brain Research
Classification: Likely benign for Spinocerebellar ataxia type 29. Last evaluated: 2018-02-09. Review status: criteria provided, single submitter. Criteria: Synofzik et al. (Eur J Hum Genet. 2018). Collection method: research. Allele origin: inherited. Affected: yes. Observed: 2 variant alleles.

Illumina Laboratory Services, Illumina
Classification: Likely benign for Spinocerebellar Ataxia, Dominant. Last evaluated: 2018-01-12. Review status: criteria provided, single submitter. Criteria: ICSL Variant Classification Criteria 13 December 2019. Collection method: clinical testing. Allele origin: germline.
Comment: This variant was observed in the ICSL laboratory as part of a predisposition screen in an ostensibly healthy population. It had not been previously curated by ICSL or reported in the Human Gene Mutation Database (HGMD: prior to June 1st, 2018), and was therefore a candidate for classification through an automated scoring system. Utilizing variant allele frequency, disease prevalence and penetrance estimates, and inheritance mode, an automated score was calculated to assess if this variant is too frequent to cause the disease. Based on the score and internal cut-off values, a variant classified as likely benign is not then subjected to further curation. The score for this variant resulted in a classification of likely benign for this disease.

Dr. Peter K. Rogan Lab, Western University
No classification provided (evidence only). Condition: Malignant tumor of urinary bladder. Review status: no classification provided. Collection method: in vitro. Allele origin: not applicable. Functional consequence: retained intron. Not counted in ClinVar's aggregate classification.

Dr. Peter K. Rogan Lab, Western University
No classification provided (evidence only). Condition: Clear cell carcinoma of kidney. Review status: no classification provided. Collection method: in vitro. Allele origin: not applicable. Functional consequence: retained intron. Not counted in ClinVar's aggregate classification.

Dr. Peter K. Rogan Lab, Western University
No classification provided (evidence only). Condition: Lung cancer. Review status: no classification provided. Collection method: in vitro. Allele origin: not applicable. Functional consequence: retained intron. Not counted in ClinVar's aggregate classification.

Dr. Peter K. Rogan Lab, Western University
No classification provided (evidence only). Condition: Melanoma. Review status: no classification provided. Collection method: in vitro. Allele origin: not applicable. Functional consequence: retained intron. Not counted in ClinVar's aggregate classification.

Dr. Peter K. Rogan Lab, Western University
No classification provided (evidence only). Condition: Familial cancer of breast. Review status: no classification provided. Collection method: in vitro. Allele origin: not applicable. Functional consequence: retained intron. Not counted in ClinVar's aggregate classification.

Dr. Peter K. Rogan Lab, Western University
No classification provided (evidence only). Condition: Familial cancer of breast. Review status: no classification provided. Collection method: in vitro. Allele origin: not applicable. Functional consequence: retained intron. Not counted in ClinVar's aggregate classification.

Dr. Peter K. Rogan Lab, Western University
No classification provided (evidence only). Condition: Acute myeloid leukemia. Review status: no classification provided. Collection method: in vitro. Allele origin: not applicable. Functional consequence: retained intron. Not counted in ClinVar's aggregate classification.

Dr. Peter K. Rogan Lab, Western University
No classification provided (evidence only). Condition: Uterine corpus endometrial carcinoma. Review status: no classification provided. Collection method: in vitro. Allele origin: not applicable. Functional consequence: retained intron. Not counted in ClinVar's aggregate classification.

Dr. Peter K. Rogan Lab, Western University
No classification provided (evidence only). Condition: Thymoma. Review status: no classification provided. Collection method: in vitro. Allele origin: not applicable. Functional consequence: retained intron. Not counted in ClinVar's aggregate classification.

Dr. Peter K. Rogan Lab, Western University
No classification provided (evidence only). Condition: Gastric cancer. Review status: no classification provided. Collection method: in vitro. Allele origin: not applicable. Functional consequence: retained intron. Not counted in ClinVar's aggregate classification.

Dr. Peter K. Rogan Lab, Western University
No classification provided (evidence only). Condition: Gastric cancer. Review status: no classification provided. Collection method: in vitro. Allele origin: not applicable. Functional consequence: retained intron. Not counted in ClinVar's aggregate classification.

Literature cited by the submitters: PubMed 30778698 (cited by 3 submitters).